The following is an entry in ClinVar:

ClinVar aggregate classification (germline): Pathogenic (1 of 4 stars; one submission).

Conditions:
Mucopolysaccharidosis, MPS-IV-B (MPS4B). Also called: MORQUIO SYNDROME B; Mucopolysaccharidosis type 4B; Mucopolysaccharidosis type IVB (Morquio); MPS IVB; Mucopolysaccharidosis type IV B; Mucopolysaccharidosis Type IVB. Identifiers: Orphanet 309310, Orphanet 582, MedGen C0086652, MONDO:0009660, OMIM 253010.

Submission:

Natera, Inc.
Classification: Pathogenic for Mucopolysaccharidosis, MPS-IV-B. Last evaluated: 2024-09-27. Review status: criteria provided, single submitter. Criteria: Natera Variant Classification Schema (03/2026). Collection method: clinical testing. Allele origin: germline.
Comment: The c.1480-2A>T variant in GLB1 is a canonical splice acceptor site variant predicted to affect pre-mRNA splicing, which may result in an abnormal transcript and altered protein product. This variant is expected to result in nonsense mediated decay, truncation, or a dysfunctional protein product. This variant is rare in the general population with a frequency below the threshold expected for the associated phenotype(s). This variant has been observed in one or more individuals affected with the associated recessive disease, as either homozygous or compound heterozygous with a second variant (PMID: 16941474, 10737981). Given the available evidence, this variant is classified as Pathogenic.

Literature cited by the submitters: PubMed 16941474; PubMed 10737981.

NM_000404.4(GLB1):c.1480-2A>T

Gene: GLB1 (galactosidase beta 1; minus strand). Cytogenetic location: 3p22.3.
Variant type: single nucleotide variant.
Coding change: c.1480-2A>T on transcript NM_000404.4 (MANE Select); the canonical splice acceptor site of the intron before coding-DNA position 1480, A replaced by T.
Molecular consequence: splice acceptor variant.
Genome position (GRCh38, 1-based): chr3:33,014,312, T>A on the plus strand (A>T on the coding strand, the complement: GLB1 is on the minus strand). VCF-style: chr3-33014312-T-A. GRCh37 (hg19) VCF-style: chr3-33055804-T-A.
Other names: c.1480-2A>T (NM_001393580.1); c.1087-2A>T (NM_001135602.3); c.1624-2A>T (NM_001317040.2); c.1390-2A>T (NM_001079811.3).
Identifiers: ClinVar variation 4818315 (VCV004818315.1).
Genomic context (GRCh38, chr3:33,014,312, plus strand): 5'-GGAAAGATCGTCCAGTCCGTGAGGATATTGGAACTGAGAGTCAGGTTAGAAACCAAACCC[T>A]GCAAAGCAGAAACAGAGCACAGTGAGCTGGGGAGGGAAGGAAAAAGGCTTCACATGTCTC-3'